The following is an entry in ClinVar:

ClinVar aggregate classification (germline): Likely pathogenic (1 of 4 stars; one submission).

Conditions:
Arginase deficiency. Also called: ARGININEMIA; ARG1 DEFICIENCY; Arginase 1 Deficiency. Identifiers: Orphanet 90, MedGen C0268548, MONDO:0008814, OMIM 207800.

Submission:

Labcorp Genetics (formerly Invitae), Labcorp
Classification: Likely pathogenic for Arginase deficiency. Last evaluated: 2023-01-23. Review status: criteria provided, single submitter. Criteria: Invitae Variant Classification Sherloc (09022015). Collection method: clinical testing. Allele origin: germline.
Comment: This variant is not present in population databases (gnomAD no frequency). This variant has not been reported in the literature in individuals affected with ARG1-related conditions. Algorithms developed to predict the effect of sequence changes on RNA splicing suggest that this variant may disrupt the consensus splice site. In summary, the currently available evidence indicates that the variant is pathogenic, but additional data are needed to prove that conclusively. Therefore, this variant has been classified as Likely Pathogenic. This sequence change affects an acceptor splice site in intron 2 of the ARG1 gene. It is expected to disrupt RNA splicing. Variants that disrupt the donor or acceptor splice site typically lead to a loss of protein function (PMID: 16199547), and loss-of-function variants in ARG1 are known to be pathogenic (PMID: 7649538, 12052859).

Literature cited by the submitters: PubMed 16199547; PubMed 7649538; PubMed 12052859.

NM_000045.4(ARG1):c.131-1G>T

Genes: ARG1 (arginase 1; plus strand), MED23 (mediator complex subunit 23; minus strand). Cytogenetic location: 6q23.2.
Variant type: single nucleotide variant.
Coding change: c.131-1G>T on transcript NM_000045.4 (MANE Select); the canonical splice acceptor site of the intron before coding-DNA position 131, G replaced by T.
Molecular consequence: splice acceptor variant. On other transcripts: nonsense (1), intron variant (2).
Genome position (GRCh38, 1-based): chr6:131,579,110, G>T. VCF-style: chr6-131579110-G-T. GRCh37 (hg19) VCF-style: chr6-131900250-G-T.
Other names: c.154G>T, p.Glu52Ter (NM_001244438.2); c.131-1G>T (NM_001369020.1); c.4078-4815C>A (NM_001270521.2); c.4096-4815C>A (NM_015979.4); short protein forms E52*.
Identifiers: ClinVar variation 2831245 (VCV002831245.3), dbSNP rs1773782306, ClinGen allele CA365650209.